The following is an entry in ClinVar:

NM_000059.4(BRCA2):c.7121_7128del (p.Asn2374fs)

Gene: BRCA2 (BRCA2 DNA repair associated; plus strand). Cytogenetic location: 13q13.1.
Variant type: Deletion.
Coding change: c.7121_7128del on transcript NM_000059.4 (MANE Select); coding-DNA positions 7121 to 7128, 8 bases deleted (ATTTAGCA; older notation c.7121_7128delATTTAGCA).
Protein change: p.Asn2374fs; shifts the reading frame from asparagine 2374.
Molecular consequence: frameshift variant. On other transcripts: non-coding transcript variant (1).
Genome position (GRCh38, 1-based): chr13:32,354,974-32,354,981, ATTTAGCA deleted; deleting any 8 consecutive bases within chr13:32,354,970-32,354,981 gives the same sequence; the c. name uses the placement nearest the transcript's 3' end. VCF-style (leftmost placement, unchanged base first): chr13-32354969-AAGCAATTT-A. GRCh37 (hg19) VCF-style: chr13-32929106-AAGCAATTT-A.
Other names: c.7025_7032del, p.Asn2342fs (NM_001406719.1); c.7121_7128del, p.Asn2374fs (NM_001406720.1, NM_001432077.1); c.2189_2196del, p.Asn730fs (NM_001406721.1); c.704_711del, p.Asn235fs (NM_001406722.1); short protein forms N2342fs, N2374fs, N730fs, N235fs.
Identifiers: ClinVar variation 3482167 (VCV003482167.1).
Genomic context (GRCh38, chr13:32,354,969, plus strand): 5'-TGGTCAAGAATTTCTGTCTAAATCTCATTTGTATGAACATCTGACTTTGGAAAAATCTTC[AAGCAATTT>A]AGCAGTTTCAGGACATCCATTTTATCAAGTTTCTGCTACAAGAAATGAAAAAATGAGACA-3'

ClinVar aggregate classification (germline): Pathogenic (1 of 4 stars; one submission).

Conditions:
Hereditary cancer-predisposing syndrome. Also called: Tumor predisposition; Neoplastic Syndromes, Hereditary; Hereditary Cancer Syndrome; Hereditary neoplastic syndrome. Identifiers: Orphanet 140162, MedGen C0027672, MeSH D009386, MONDO:0015356.

Submission:

Ambry Genetics
Classification: Pathogenic for Hereditary cancer-predisposing syndrome. Last evaluated: 2024-11-13. Review status: criteria provided, single submitter. Criteria: Ambry Variant Classification Scheme 2023. Collection method: clinical testing. Allele origin: germline.
Comment: The c.7121_7128delATTTAGCA pathogenic mutation, located in coding exon 13 of the BRCA2 gene, results from a deletion of 8 nucleotides at nucleotide positions 7121 to 7128, causing a translational frameshift with a predicted alternate stop codon (p.N2374Sfs*15). This variant is considered to be rare based on population cohorts in the Genome Aggregation Database (gnomAD). This alteration is expected to result in loss of function by premature protein truncation or nonsense-mediated mRNA decay. As such, this alteration is interpreted as a disease-causing mutation.